The following is an entry in ClinVar:

NM_130384.3(ATRIP):c.1847A>G (p.His616Arg)

Genes: ATRIP (ATR interacting protein; plus strand), ATRIP-TREX1 (ATRIP-TREX1 readthrough; plus strand). Cytogenetic location: 3p21.31.
Variant type: single nucleotide variant.
Coding change: c.1847A>G on transcript NM_130384.3 (MANE Select); coding-DNA position 1847, A replaced by G.
Protein change: p.His616Arg; replaces histidine 616 with arginine.
Molecular consequence: missense variant. On other transcripts: non-coding transcript variant (1).
Genome position (GRCh38, 1-based): chr3:48,463,846, A>G. VCF-style: chr3-48463846-A-G. GRCh37 (hg19) VCF-style: chr3-48505245-A-G.
Other names: c.1466A>G, p.His489Arg (NM_001271022.2); c.1568A>G, p.His523Arg (NM_001271023.2); c.1847A>G, p.His616Arg (NM_032166.4); short protein forms H616R, H489R, H523R.
Identifiers: ClinVar variation 4644551 (VCV004644551.1).

ClinVar aggregate classification (germline): Uncertain significance (1 of 4 stars; one submission).

Submission:

Ambry Genetics
Classification: Uncertain significance. Last evaluated: 2025-10-22. Review status: criteria provided, single submitter. Criteria: Ambry Variant Classification Scheme 2023. Collection method: clinical testing. Allele origin: germline.
Comment: The p.H616R variant (also known as c.1847A>G), located in coding exon 9 of the ATRIP gene, results from an A to G substitution at nucleotide position 1847. The histidine at codon 616 is replaced by arginine, an amino acid with highly similar properties. This amino acid position is conserved. In addition, this alteration is predicted to be tolerated by in silico analysis. Based on the available evidence, the clinical significance of this variant remains unclear.